The following is an entry in ClinVar:

NM_000435.3(NOTCH3):c.881C>T (p.Thr294Met)

Gene: NOTCH3 (notch receptor 3; minus strand). Cytogenetic location: 19p13.12.
Variant type: single nucleotide variant.
Coding change: c.881C>T on transcript NM_000435.3 (MANE Select); coding-DNA position 881, C replaced by T.
Protein change: p.Thr294Met; replaces threonine 294 with methionine.
Molecular consequence: missense variant.
Genome position (GRCh38, 1-based): chr19:15,191,579, G>A on the plus strand (C>T on the coding strand, the complement: NOTCH3 is on the minus strand). VCF-style: chr19-15191579-G-A. GRCh37 (hg19) VCF-style: chr19-15302390-G-A.
Other names: short protein forms T294M.
Identifiers: ClinVar variation 3702484 (VCV003702484.2).

ClinVar aggregate classification (germline): Uncertain significance (1 of 4 stars; one submission).

gnomAD v4.1: 35 of 1,613,602 alleles (0.0022%); highest among the groups gnomAD compares: African/African-American, 0.011%; no homozygotes.

Submission:

Labcorp Genetics (formerly Invitae), Labcorp
Classification: Uncertain significance. Last evaluated: 2024-01-25. Review status: criteria provided, single submitter. Criteria: Invitae Variant Classification Sherloc (09022015). Collection method: clinical testing. Allele origin: germline.
Comment: This sequence change replaces threonine, which is neutral and polar, with methionine, which is neutral and non-polar, at codon 294 of the NOTCH3 protein (p.Thr294Met). This variant is present in population databases (rs146578114, gnomAD 0.01%). This variant has not been reported in the literature in individuals affected with NOTCH3-related conditions. Advanced modeling of protein sequence and biophysical properties (such as structural, functional, and spatial information, amino acid conservation, physicochemical variation, residue mobility, and thermodynamic stability) has been performed at Invitae for this missense variant, however the output from this modeling did not meet the statistical confidence thresholds required to predict the impact of this variant on NOTCH3 protein function. In summary, the available evidence is currently insufficient to determine the role of this variant in disease. Therefore, it has been classified as a Variant of Uncertain Significance.